The following is an entry in ClinVar:

NM_003179.3(SYP):c.663C>G (p.Phe221Leu)

Gene: SYP (synaptophysin; minus strand). Cytogenetic location: Xp11.23.
Variant type: single nucleotide variant.
Coding change: c.663C>G on transcript NM_003179.3 (MANE Select); coding-DNA position 663, C replaced by G.
Protein change: p.Phe221Leu; replaces phenylalanine 221 with leucine.
Molecular consequence: missense variant.
Genome position (GRCh38, 1-based): chrX:49,191,716, G>C on the plus strand (C>G on the coding strand, the complement: SYP is on the minus strand). VCF-style: chrX-49191716-G-C. GRCh37 (hg19) VCF-style: chrX-49048173-G-C.
Other names: short protein forms F221L.
Identifiers: ClinVar variation 5007569 (VCV005007569.2).

ClinVar aggregate classification (germline): Uncertain significance (1 of 4 stars; one submission).

Conditions:
Intellectual developmental disorder, X-linked 96. Also called: Intellectual disability, X-linked 96. Identifiers: Orphanet 777, MedGen C3275408, MONDO:0010429, OMIM 300802.

Submission:

Juno Genomics, Hangzhou Juno Genomics, Inc
Classification: Uncertain significance for Intellectual developmental disorder, X-linked 96. Review status: criteria provided, single submitter. Criteria: ACMG Guidelines, 2015. Collection method: clinical testing. Allele origin: germline.
Comment: Absent from controls (or at extremely low frequency if recessive) in Genome Aggregation Database.